The following is an entry in ClinVar:

NM_012123.4(MTO1):c.556G>A (p.Ala186Thr)

Gene: MTO1 (mitochondrial tRNA translation optimization 1; plus strand). Cytogenetic location: 6q13.
Variant type: single nucleotide variant.
Coding change: c.556G>A on transcript NM_012123.4 (MANE Select); coding-DNA position 556, G replaced by A.
Protein change: p.Ala186Thr; replaces alanine 186 with threonine.
Molecular consequence: missense variant.
Genome position (GRCh38, 1-based): chr6:73,473,385, G>A. VCF-style: chr6-73473385-G-A. GRCh37 (hg19) VCF-style: chr6-74183108-G-A.
Other names: c.556G>A (NM_001123226.1, NM_012123.3); c.556G>A, p.Ala186Thr (NM_001123226.2, NM_133645.3); short protein forms A186T.
Identifiers: ClinVar variation 1446712 (VCV001446712.7), dbSNP rs780534174, ClinGen allele CA3889397.

ClinVar aggregate classification (germline): Uncertain significance. Review status: criteria provided, multiple submitters, no conflicts (2 of 4 stars). 3 submissions from 3 submitters: Uncertain significance (3). Last evaluated 2025-10-15.

Conditions:
Inborn genetic diseases. Identifiers: MedGen C0950123, MeSH D030342.
Mitochondrial hypertrophic cardiomyopathy with lactic acidosis due to MTO1 deficiency. Also called: CARDIOMYOPATHY, INFANTILE HYPERTROPHIC MITOCHONDRIAL, AND LACTIC ACIDOSIS; Combined oxidative phosphorylation deficiency 10. Identifiers: Orphanet 314637, MedGen C4749921, MONDO:0013865, OMIM 614702.

Allele frequency attached by ClinVar (database versions not stated): gnomAD exomes 0.00001; TOPMed 0.00001; ExAC 0.00001.
gnomAD v4.1: 4 of 1,613,902 alleles (0.00025%); highest among the groups gnomAD compares: Middle Eastern, 0.016%; no homozygotes.

Submissions (3):

Ambry Genetics
Classification: Uncertain significance for Inborn genetic diseases. Last evaluated: 2025-10-15. Review status: criteria provided, single submitter. Criteria: Ambry Variant Classification Scheme 2023. Collection method: clinical testing. Allele origin: germline.

GeneDx
Classification: Uncertain significance. Last evaluated: 2024-11-18. Review status: criteria provided, single submitter. Criteria: GeneDx Variant Classification Process June 2021. Collection method: clinical testing. Allele origin: germline. Affected: yes.
Comment: Not observed at significant frequency in large population cohorts (gnomAD); In silico analysis indicates that this missense variant does not alter protein structure/function; Has not been previously published as pathogenic or benign to our knowledge

Labcorp Genetics (formerly Invitae), Labcorp
Classification: Uncertain significance for Mitochondrial hypertrophic cardiomyopathy with lactic acidosis due to MTO1 deficiency. Last evaluated: 2022-08-16. Review status: criteria provided, single submitter. Criteria: Invitae Variant Classification Sherloc (09022015). Collection method: clinical testing. Allele origin: germline.
Comment: This sequence change replaces alanine, which is neutral and non-polar, with threonine, which is neutral and polar, at codon 186 of the MTO1 protein (p.Ala186Thr). This variant is present in population databases (rs780534174, gnomAD 0.002%). This variant has not been reported in the literature in individuals affected with MTO1-related conditions. ClinVar contains an entry for this variant (Variation ID: 1446712). Algorithms developed to predict the effect of missense changes on protein structure and function (SIFT, PolyPhen-2, Align-GVGD) all suggest that this variant is likely to be tolerated. In summary, the available evidence is currently insufficient to determine the role of this variant in disease. Therefore, it has been classified as a Variant of Uncertain Significance.